The following is an entry in ClinVar:

ClinVar aggregate classification (germline): Uncertain significance. Review status: criteria provided, multiple submitters, no conflicts (2 of 4 stars). 7 submissions from 7 submitters: Uncertain significance (7). Last evaluated 2026-01-12.

Conditions:
COL12A1-related disorder. Also called: COL12A1-related condition.
Inborn genetic diseases. Identifiers: MedGen C0950123, MeSH D030342.
Ullrich congenital muscular dystrophy 2 (UCMD2). Identifiers: Orphanet 75840, MedGen C4225314, MONDO:0014654, OMIM 616470.
Bethlem myopathy 2 (BTHLM2). Identifiers: Orphanet 536516, Orphanet 610, MedGen C4225313, MONDO:0034022, OMIM 616471.

Allele frequency attached by ClinVar (database versions not stated): gnomAD exomes 0.00001 and 0.00009; ExAC 0.00002; gnomAD 0.00004; TOPMed 0.00004.
gnomAD v4.1: 136 of 1,612,460 alleles (0.0084%); highest among the groups gnomAD compares: Non-Finnish European, 0.011%; no homozygotes.

Submissions (7):

Labcorp Genetics (formerly Invitae), Labcorp
Classification: Uncertain significance for Bethlem myopathy 2; Ullrich congenital muscular dystrophy 2. Last evaluated: 2026-01-12. Review status: criteria provided, single submitter. Criteria: Invitae Variant Classification Sherloc (09022015). Collection method: clinical testing. Allele origin: germline.
Comment: This sequence change replaces proline, which is neutral and non-polar, with serine, which is neutral and polar, at codon 2024 of the COL12A1 protein (p.Pro2024Ser). This variant is present in population databases (rs771186535, gnomAD 0.004%). This variant has not been reported in the literature in individuals affected with COL12A1-related conditions. ClinVar contains an entry for this variant (Variation ID: 566034). An algorithm developed to predict the effect of missense changes on protein structure and function (PolyPhen-2) suggests that this variant is likely to be disruptive. In summary, the available evidence is currently insufficient to determine the role of this variant in disease. Therefore, it has been classified as a Variant of Uncertain Significance.

Women's Health and Genetics/Laboratory Corporation of America, LabCorp
Classification: Uncertain significance. Last evaluated: 2026-01-06. Review status: criteria provided, single submitter. Criteria: LabCorp Variant Classification Summary - May 2015. Collection method: clinical testing. Allele origin: germline.
Comment: Variant summary: COL12A1 c.6070C>T (p.Pro2024Ser) results in a non-conservative amino acid change in the encoded protein sequence. Algorithms developed to predict the effect of missense changes on protein structure and function are either unavailable or do not agree on the potential impact of this missense change. Consensus agreement among computation tools predict no significant impact on normal splicing. However, these predictions have yet to be confirmed by functional studies. The variant allele was found at a frequency of 1.2e-05 in 246844 control chromosomes. The available data on variant occurrences in the general population are insufficient to allow any conclusion about variant significance. To our knowledge, no occurrence of c.6070C>T in individuals affected with COL12A1-related conditions and no experimental evidence demonstrating its impact on protein function have been reported. ClinVar contains an entry for this variant (Variation ID: 566034). Based on the evidence outlined above, the variant was classified as uncertain significance.

PreventionGenetics, part of Exact Sciences
Classification: Uncertain significance for COL12A1-related condition. Last evaluated: 2025-08-26. Review status: criteria provided, single submitter. Criteria: ACMG Guidelines, 2015. Collection method: clinical testing. Allele origin: germline.
Comment: The COL12A1 c.6070C>T variant is predicted to result in the amino acid substitution p.Pro2024Ser. To our knowledge, this variant has not been reported in the literature. This variant is reported in 0.0027% of alleles in individuals of European (Non-Finnish) descent in gnomAD. At this time, the clinical significance of this variant is uncertain due to the absence of conclusive functional and genetic evidence.

Ambry Genetics
Classification: Uncertain significance for Inborn genetic diseases. Last evaluated: 2025-08-23. Review status: criteria provided, single submitter. Criteria: Ambry Variant Classification Scheme 2023. Collection method: clinical testing. Allele origin: germline.

GeneDx
Classification: Uncertain significance. Last evaluated: 2021-04-06. Review status: criteria provided, single submitter. Criteria: GeneDx Variant Classification Process June 2021. Collection method: clinical testing. Allele origin: germline. Affected: yes.
Comment: Has not been previously published as pathogenic or benign to our knowledge; Reported in ClinVar as a variant of uncertain significance (ClinVar Variant ID #566034; Landrum et al., 2016); Not observed at a significant frequency in large population cohorts (Lek et al., 2016); In silico analysis supports that this missense variant has a deleterious effect on protein structure/function

Revvity Omics, Revvity
Classification: Uncertain significance. Last evaluated: 2019-09-19. Review status: criteria provided, single submitter. Criteria: ACMG Guidelines, 2015. Collection method: clinical testing. Allele origin: germline.

Fulgent Genetics
Classification: Uncertain significance for Ullrich congenital muscular dystrophy 2; Bethlem myopathy 2. Last evaluated: 2018-10-31. Review status: criteria provided, single submitter. Criteria: ACMG Guidelines, 2015. Collection method: clinical testing. Allele origin: unknown.

NM_004370.6(COL12A1):c.6070C>T (p.Pro2024Ser)

Gene: COL12A1 (collagen type XII alpha 1 chain; minus strand). Cytogenetic location: 6q13.
Variant type: single nucleotide variant.
Coding change: c.6070C>T on transcript NM_004370.6 (MANE Select); coding-DNA position 6070, C replaced by T.
Protein change: p.Pro2024Ser; replaces proline 2024 with serine.
Molecular consequence: missense variant.
Genome position (GRCh38, 1-based): chr6:75,130,231, G>A on the plus strand (C>T on the coding strand, the complement: COL12A1 is on the minus strand). VCF-style: chr6-75130231-G-A. GRCh37 (hg19) VCF-style: chr6-75839947-G-A.
Other names: c.2578C>T, p.Pro860Ser (NM_080645.3); short protein forms P2024S, P860S.
Identifiers: ClinVar variation 566034 (VCV000566034.20), dbSNP rs771186535, ClinGen allele CA3892903.